The following is an entry in ClinVar:

NM_014844.5(TECPR2):c.2532G>A (p.Trp844Ter)

Gene: TECPR2 (tectonin beta-propeller repeat containing 2; plus strand). Cytogenetic location: 14q32.31.
Variant type: single nucleotide variant.
Coding change: c.2532G>A on transcript NM_014844.5 (MANE Select); coding-DNA position 2532, G replaced by A.
Protein change: p.Trp844Ter; replaces tryptophan 844 with a stop codon.
Molecular consequence: nonsense.
Genome position (GRCh38, 1-based): chr14:102,438,159, G>A. VCF-style: chr14-102438159-G-A. GRCh37 (hg19) VCF-style: chr14-102904496-G-A.
Other names: c.2532G>A, p.Trp844Ter (NM_001172631.3); short protein forms W844*.
Identifiers: ClinVar variation 2760042 (VCV002760042.3), dbSNP rs2504432999, ClinGen allele CA391065990.

ClinVar aggregate classification (germline): Pathogenic (1 of 4 stars; one submission).

Conditions:
Hereditary spastic paraplegia 49 (HSAN9). Also called: TECPR2-Related Hereditary Sensory and Autonomic Neuropathy with Intellectual Disability; NEUROPATHY, HEREDITARY SENSORY AND AUTONOMIC, TYPE IX, WITH DEVELOPMENTAL DELAY; Spastic paraplegia 49, autosomal recessive. Identifiers: Orphanet 320385, MedGen C5190860, MONDO:0014016, OMIM 615031.

Allele frequency attached by ClinVar (database versions not stated): gnomAD exomes below 0.00001.
gnomAD v4.1: 1 of 1,612,952 alleles (0.000062%); highest among the groups gnomAD compares: Non-Finnish European, 0.000085%; no homozygotes.

Submission:

Labcorp Genetics (formerly Invitae), Labcorp
Classification: Pathogenic for Hereditary spastic paraplegia 49. Last evaluated: 2023-09-11. Review status: criteria provided, single submitter. Criteria: Invitae Variant Classification Sherloc (09022015). Collection method: clinical testing. Allele origin: germline.
Comment: For these reasons, this variant has been classified as Pathogenic. This variant has not been reported in the literature in individuals affected with TECPR2-related conditions. This variant is not present in population databases (gnomAD no frequency). This sequence change creates a premature translational stop signal (p.Trp844*) in the TECPR2 gene. It is expected to result in an absent or disrupted protein product. Loss-of-function variants in TECPR2 are known to be pathogenic (PMID: 23176824, 25590979).

Literature cited by the submitters: PubMed 23176824; PubMed 25590979.